The following is an entry in ClinVar:

ClinVar aggregate classification (germline): Uncertain significance. Review status: criteria provided, multiple submitters, no conflicts (2 of 4 stars). 2 submissions from 2 submitters: Uncertain significance (2). Last evaluated 2025-01-16.

Conditions:
Inborn genetic diseases. Identifiers: MedGen C0950123, MeSH D030342.
Deafness-lymphedema-leukemia syndrome. Also called: Emberger syndrome; Lymphedema, primary, with myelodysplasia. Identifiers: Orphanet 3226, MedGen C3279664, MONDO:0013540, OMIM 614038.
Monocytopenia with susceptibility to infections. Also called: MONOCYTOPENIA AND MYCOBACTERIAL INFECTION SYNDROME; MONOCYTOPENIA WITH SUSCEPTIBILITY TO MYCOBACTERIAL, FUNGAL, AND PAPILLOMAVIRUS INFECTIONS AND MYELODYSPLASIA; COMBINED IMMUNODEFICIENCY WITH SUSCEPTIBILITY TO MYCOBACTERIAL, VIRAL, AND FUNGAL INFECTIONS; Dendritic cell, monocyte, B lymphocyte, and natural killer lymphocyte deficiency; IMMUNODEFICIENCY 21; GATA2 DEFICIENCY. Identifiers: Orphanet 228423, MedGen C3280030, MONDO:0013607, OMIM 614172.

Allele frequency attached by ClinVar (database versions not stated): gnomAD exomes below 0.00001; TOPMed below 0.00001.

Submissions (2):

Ambry Genetics
Classification: Uncertain significance for Inborn genetic diseases. Last evaluated: 2025-01-16. Review status: criteria provided, single submitter. Criteria: Ambry Variant Classification Scheme 2023. Collection method: clinical testing. Allele origin: germline.
Comment: The p.H88Y variant (also known as c.262C>T), located in coding exon 2 of the GATA2 gene, results from a C to T substitution at nucleotide position 262. The histidine at codon 88 is replaced by tyrosine, an amino acid with similar properties. This amino acid position is conserved. In addition, this alteration is predicted to be deleterious by in silico analysis. Based on the available evidence, the clinical significance of this variant remains unclear.

Labcorp Genetics (formerly Invitae), Labcorp
Classification: Uncertain significance for Monocytopenia with susceptibility to infections; Deafness-lymphedema-leukemia syndrome. Last evaluated: 2023-11-30. Review status: criteria provided, single submitter. Criteria: Invitae Variant Classification Sherloc (09022015). Collection method: clinical testing. Allele origin: germline.
Comment: This sequence change replaces histidine, which is basic and polar, with tyrosine, which is neutral and polar, at codon 88 of the GATA2 protein (p.His88Tyr). The frequency data for this variant in the population databases is considered unreliable, as metrics indicate poor data quality at this position in the gnomAD database. This variant has not been reported in the literature in individuals affected with GATA2-related conditions. ClinVar contains an entry for this variant (Variation ID: 1058252). Advanced modeling of protein sequence and biophysical properties (such as structural, functional, and spatial information, amino acid conservation, physicochemical variation, residue mobility, and thermodynamic stability) has been performed at Invitae for this missense variant, however the output from this modeling did not meet the statistical confidence thresholds required to predict the impact of this variant on GATA2 protein function. In summary, the available evidence is currently insufficient to determine the role of this variant in disease. Therefore, it has been classified as a Variant of Uncertain Significance.

NM_032638.5(GATA2):c.262C>T (p.His88Tyr)

Gene: GATA2 (GATA binding protein 2; minus strand). Cytogenetic location: 3q21.3.
Variant type: single nucleotide variant.
Coding change: c.262C>T on transcript NM_032638.5 (MANE Select); coding-DNA position 262, C replaced by T.
Protein change: p.His88Tyr; replaces histidine 88 with tyrosine.
Molecular consequence: missense variant.
Genome position (GRCh38, 1-based): chr3:128,486,336, G>A on the plus strand (C>T on the coding strand, the complement: GATA2 is on the minus strand). VCF-style: chr3-128486336-G-A. GRCh37 (hg19) VCF-style: chr3-128205179-G-A.
Other names: c.262C>T, p.His88Tyr (NM_001145661.2, NM_001145662.1); c.262C>T (NM_032638.4); short protein forms H88Y.
Identifiers: ClinVar variation 1058252 (VCV001058252.10), dbSNP rs1208261775, ClinGen allele CA354407779.